The following is an entry in ClinVar:

ClinVar aggregate classification (germline): Likely benign. Review status: criteria provided, multiple submitters, no conflicts (2 of 4 stars). 3 submissions from 3 submitters: Likely benign (3). Last evaluated 2026-01-20.

Conditions:
CEP290-related disorder. Also called: CEP290-related disorders; CEP290-related condition. Identifiers: MedGen CN239314.
Nephronophthisis. Also called: Juvenile Nephronophthisis. Identifiers: Orphanet 655, MedGen C0687120, MONDO:0019005, HP:0000090.
Meckel-Gruber syndrome. Also called: Dysencephalia splachnocystica; DYSENCEPHALIA SPLANCHNOCYSTICA; GRUBER SYNDROME. Identifiers: Orphanet 564, MedGen C0265215, MONDO:0018921.
Joubert syndrome. Also called: JOUBERT-BOLTSHAUSER SYNDROME; Familial aplasia of the vermis. Identifiers: Orphanet 475, MedGen C5979921, MONDO:0018772.

Allele frequency attached by ClinVar (database versions not stated): gnomAD exomes below 0.00001; ExAC 0.00001; TOPMed 0.00003; gnomAD 0.00004; ESP Exome Variant Server 0.00008.

Submissions (3):

PreventionGenetics, part of Exact Sciences
Classification: Likely benign for CEP290-related condition. Last evaluated: 2026-01-20. Review status: criteria provided, single submitter. Criteria: ACMG Guidelines, 2015. Collection method: clinical testing. Allele origin: germline.
Comment: This variant is classified as likely benign based on ACMG/AMP sequence variant interpretation guidelines (Richards et al. 2015 PMID: 25741868, with internal and published modifications).

Labcorp Genetics (formerly Invitae), Labcorp
Classification: Likely benign for Joubert syndrome; Meckel-Gruber syndrome; Nephronophthisis. Last evaluated: 2023-12-12. Review status: criteria provided, single submitter. Criteria: Invitae Variant Classification Sherloc (09022015). Collection method: clinical testing. Allele origin: germline.

Blueprint Genetics
Classification: Likely benign. Last evaluated: 2021-10-07. Review status: criteria provided, single submitter. Criteria: ACMG Guidelines, 2015. Collection method: clinical testing. Allele origin: germline.

NM_025114.4(CEP290):c.2907C>T (p.Tyr969=)

Gene: CEP290 (centrosomal protein 290; minus strand). Cytogenetic location: 12q21.32.
Variant type: single nucleotide variant.
Coding change: c.2907C>T on transcript NM_025114.4 (MANE Select); coding-DNA position 2907, C replaced by T.
Protein change: p.Tyr969=; no amino-acid change (tyrosine 969 retained).
Molecular consequence: synonymous variant.
Genome position (GRCh38, 1-based): chr12:88,102,922, G>A on the plus strand (C>T on the coding strand, the complement: CEP290 is on the minus strand). VCF-style: chr12-88102922-G-A. GRCh37 (hg19) VCF-style: chr12-88496699-G-A.
Other names: c.2907C>T (NM_025114.3).
Identifiers: ClinVar variation 1088438 (VCV001088438.11), dbSNP rs376462144, ClinGen allele CA6712242.